The following is an entry in ClinVar:

ClinVar aggregate classification (germline): Uncertain significance (1 of 4 stars; one submission).

Conditions:
Ehlers-Danlos syndrome, classic type, 1 (EDSCL1). Also called: EHLERS-DANLOS SYNDROME, GRAVIS TYPE; EHLERS-DANLOS SYNDROME, SEVERE CLASSIC TYPE; Ehlers-Danlos syndrome, type 1; Ehlers-Danlos Syndrome, Classic Type, COL5A1-Related; EDS I. Identifiers: MedGen C0268335, MONDO:0019567, OMIM 130000.

gnomAD v4.1: 1 of 1,614,090 alleles (0.000062%); highest among the groups gnomAD compares: Non-Finnish European, 0.000085%; no homozygotes.

Submission:

Labcorp Genetics (formerly Invitae), Labcorp
Classification: Uncertain significance for Ehlers-Danlos syndrome, classic type, 1. Last evaluated: 2025-12-21. Review status: criteria provided, single submitter. Criteria: Invitae Variant Classification Sherloc (09022015). Collection method: clinical testing. Allele origin: germline.
Comment: This sequence change replaces proline, which is neutral and non-polar, with serine, which is neutral and polar, at codon 1192 of the COL5A2 protein (p.Pro1192Ser). This variant is not present in population databases (gnomAD no frequency). This variant has not been reported in the literature in individuals affected with COL5A2-related conditions. Invitae Evidence Modeling of protein sequence and biophysical properties (such as structural, functional, and spatial information, amino acid conservation, physicochemical variation, residue mobility, and thermodynamic stability) indicates that this missense variant is not expected to disrupt COL5A2 protein function with a negative predictive value of 80%. In summary, the available evidence is currently insufficient to determine the role of this variant in disease. Therefore, it has been classified as a Variant of Uncertain Significance.

NM_000393.5(COL5A2):c.3574C>T (p.Pro1192Ser)

Gene: COL5A2 (collagen type V alpha 2 chain; minus strand). Cytogenetic location: 2q32.2.
Variant type: single nucleotide variant.
Coding change: c.3574C>T on transcript NM_000393.5 (MANE Select); coding-DNA position 3574, C replaced by T.
Protein change: p.Pro1192Ser; replaces proline 1192 with serine.
Molecular consequence: missense variant.
Genome position (GRCh38, 1-based): chr2:189,041,645, G>A on the plus strand (C>T on the coding strand, the complement: COL5A2 is on the minus strand). VCF-style: chr2-189041645-G-A. GRCh37 (hg19) VCF-style: chr2-189906371-G-A.
Other names: short protein forms P1192S.
Identifiers: ClinVar variation 4743773 (VCV004743773.1).